The following is an entry in ClinVar:

NM_001035.3(RYR2):c.12826G>T (p.Val4276Leu)

Genes: RYR2 (ryanodine receptor 2; plus strand), LOC126806068 (BRD4-independent group 4 enhancer GRCh37_chr1:237947411-237948610; plus strand). Cytogenetic location: 1q43.
Variant type: single nucleotide variant.
Coding change: c.12826G>T on transcript NM_001035.3 (MANE Select); coding-DNA position 12826, G replaced by T.
Protein change: p.Val4276Leu; replaces valine 4276 with leucine.
Molecular consequence: missense variant.
Genome position (GRCh38, 1-based): chr1:237,784,538, G>T. VCF-style: chr1-237784538-G-T. GRCh37 (hg19) VCF-style: chr1-237947838-G-T.
Other names: short protein forms V4276L.
Identifiers: ClinVar variation 919943 (VCV000919943.5), dbSNP rs368599791, ClinGen allele CA345414349.
Genomic context (GRCh38, chr1:237,784,538, plus strand): 5'-ATGCGAATGCTCAGTCTGAAGAGCCTGAAGAAGCAGATGAAAAAAGTAAAAAAGATGACC[G>T]TGAAGGACATGGTCACGGCCTTCTTTTCATCCTACTGGAGTATTTTCATGACCCTCTTGC-3'
Protein context (NP_001026.2, residues 4266-4286): KQMKKVKKMT[Val4276Leu]KDMVTAFFSS

ClinVar aggregate classification (germline): Uncertain significance (1 of 4 stars; one submission).

Conditions:
Cardiomyopathy (CMYO). Also called: Cardiomyopathies. Identifiers: Orphanet 167848, MedGen C0878544, MONDO:0004994, HP:0001638. Inheritance: Various modes of inheritance.

Submission:

Color Diagnostics, LLC DBA Color Health
Classification: Uncertain significance for Cardiomyopathy. Last evaluated: 2023-12-05. Review status: criteria provided, single submitter. Criteria: ACMG Guidelines, 2015. Collection method: clinical testing. Allele origin: germline.
Comment: Variant of Uncertain Significance due to insufficient evidence: This missense variant is located in the cytoplasmic domain of the RYR2 protein. Computational prediction tools and conservation analyses suggest that this variant may have deleterious impact on the protein function. Computational splicing tools suggest that this variant may not impact RNA splicing. To our knowledge, functional assays have not been performed for this variant nor has this variant been reported in individuals affected with cardiovascular disorders in the literature. This variant is rare in the general population and has been identified in 0/277264 chromosomes by the Genome Aggregation Database (gnomAD). Available evidence is insufficient to determine the pathogenicity of this variant conclusively.